The following is an entry in ClinVar:

NM_001244008.2(KIF1A):c.2953C>T (p.Arg985Cys)

Gene: KIF1A (kinesin family member 1A; minus strand). Cytogenetic location: 2q37.3.
Variant type: single nucleotide variant.
Coding change: c.2953C>T on transcript NM_001244008.2 (MANE Select); coding-DNA position 2953, C replaced by T.
Protein change: p.Arg985Cys; replaces arginine 985 with cysteine.
Molecular consequence: missense variant.
Genome position (GRCh38, 1-based): chr2:240,750,453, G>A on the plus strand (C>T on the coding strand, the complement: KIF1A is on the minus strand). VCF-style: chr2-240750453-G-A. GRCh37 (hg19) VCF-style: chr2-241689870-G-A.
Other names: c.2677C>T, p.Arg893Cys (NM_001320705.2, NM_001330289.2, NM_001379638.1); c.2752C>T, p.Arg918Cys (NM_001330290.2, NM_001379634.1, NM_001379635.1 and 1 more transcripts); c.3028C>T, p.Arg1010Cys (NM_001379631.1); c.2902C>T, p.Arg968Cys (NM_001379632.1); c.2926C>T, p.Arg976Cys (NM_001379633.1, NM_001379642.1, NM_001379645.1); c.2650C>T, p.Arg884Cys (NM_001379636.1, NM_001379639.1, NM_001379640.1 and 6 more transcripts); c.2725C>T, p.Arg909Cys (NM_001379637.1, NM_001379648.1); short protein forms R893C, R985C, R884C, R918C, R1010C, R909C, R968C, R976C.
Identifiers: ClinVar variation 871016 (VCV000871016.47), dbSNP rs760325615, ClinGen allele CA2207975.

ClinVar aggregate classification (germline): Uncertain significance. Review status: criteria provided, multiple submitters, no conflicts (2 of 4 stars). 2 submissions from 2 submitters: Uncertain significance (2). Last evaluated 2021-06-17.

Conditions:
Hereditary spastic paraplegia 30. Identifiers: Orphanet 101010, MedGen C5235139, MONDO:0012476.
Neuropathy, hereditary sensory, type 2C. Also called: Hereditary sensory and autonomic neuropathy type IIC; KIF1A-Related HSAN2 (HSAN2C). Identifiers: Orphanet 970, MedGen C3280168, MONDO:0013634, OMIM 614213.
Intellectual disability, autosomal dominant 9 (NESCAVS). Also called: NESCAV SYNDROME; KIF1A-Related Neurodevelopmental Disorder. Identifiers: Orphanet 662367, MedGen C5393830, MONDO:0013656, OMIM 614255.

Allele frequency attached by ClinVar (database versions not stated): TOPMed below 0.00001; ExAC 0.00001; gnomAD 0.00001; gnomAD exomes 0.00001.
gnomAD v4.1: 17 of 1,613,582 alleles (0.0011%); highest among the groups gnomAD compares: South Asian, 0.0055%; 1 homozygote.

Submissions (2):

Labcorp Genetics (formerly Invitae), Labcorp
Classification: Uncertain significance for Hereditary spastic paraplegia 30; Neuropathy, hereditary sensory, type 2C; Intellectual disability, autosomal dominant 9. Last evaluated: 2021-06-17. Review status: criteria provided, single submitter. Criteria: Invitae Variant Classification Sherloc (09022015). Collection method: clinical testing. Allele origin: germline.
Comment: This sequence change replaces arginine with cysteine at codon 884 of the KIF1A protein (p.Arg884Cys). The arginine residue is highly conserved and there is a large physicochemical difference between arginine and cysteine. This variant is present in population databases (rs760325615, ExAC 0.002%). This variant has not been reported in the literature in individuals with KIF1A-related conditions. ClinVar contains an entry for this variant (Variation ID: 871016). Algorithms developed to predict the effect of missense changes on protein structure and function (SIFT, PolyPhen-2, Align-GVGD) all suggest that this variant is likely to be disruptive, but these predictions have not been confirmed by published functional studies and their clinical significance is uncertain. In summary, the available evidence is currently insufficient to determine the role of this variant in disease. Therefore, it has been classified as a Variant of Uncertain Significance.

CeGaT Center for Human Genetics Tuebingen
Classification: Uncertain significance. Last evaluated: 2019-10-01. Review status: criteria provided, single submitter. Criteria: CeGaT Center For Human Genetics Tuebingen Variant Classification Criteria Version 2. Collection method: clinical testing. Allele origin: germline. Affected: yes. Observed: 1 variant allele.